The following is an entry in ClinVar:

NM_004646.4(NPHS1):c.3613del (p.Trp1205fs)

Gene: NPHS1 (NPHS1 adhesion molecule, nephrin; minus strand). Cytogenetic location: 19q13.12.
Variant type: Deletion.
Coding change: c.3613del on transcript NM_004646.4 (MANE Select); coding-DNA position 3613, one base deleted (T; older notation c.3613delT).
Protein change: p.Trp1205fs; shifts the reading frame from tryptophan 1205.
Molecular consequence: frameshift variant.
Genome position (GRCh38, 1-based): chr19:35,826,627, A deleted on the plus strand (T on the coding strand, the reverse complement: NPHS1 is on the minus strand). VCF-style (leftmost placement, unchanged base first): chr19-35826626-CA-C. GRCh37 (hg19) VCF-style: chr19-36317528-CA-C.
Other names: c.3613delT (NM_004646.3); short protein forms W1205fs.
Identifiers: ClinVar variation 553267 (VCV000553267.4), dbSNP rs1555758163, ClinGen allele CA658824407.

ClinVar aggregate classification (germline): Likely pathogenic. Review status: criteria provided, single submitter (1 of 4 stars). 2 submissions from 2 submitters: Likely pathogenic (1). 1 of the submissions does not count toward it. Last evaluated 2024-05-29.

Conditions:
Finnish congenital nephrotic syndrome (NPHS1). Also called: NEPHROTIC SYNDROME, TYPE 1. Identifiers: Orphanet 839, MedGen C0403399, MONDO:0009732, OMIM 256300.

Submissions (2):

Labcorp Genetics (formerly Invitae), Labcorp
Classification: Likely pathogenic. Last evaluated: 2024-05-29. Review status: criteria provided, single submitter. Criteria: Invitae Variant Classification Sherloc (09022015). Collection method: clinical testing. Allele origin: germline.
Comment: This sequence change creates a premature translational stop signal (p.Trp1205Glyfs*32) in the NPHS1 gene. While this is not anticipated to result in nonsense mediated decay, it is expected to disrupt the last 37 amino acid(s) of the NPHS1 protein. This variant is not present in population databases (gnomAD no frequency). This premature translational stop signal has been observed in individual(s) with NPHS1-related conditions (PMID: 21415313). In at least one individual the data is consistent with being in trans (on the opposite chromosome) from a pathogenic variant. ClinVar contains an entry for this variant (Variation ID: 553267). This variant disrupts a region of the NPHS1 protein in which other variant(s) (p.Glu1207Lysfs*30) have been observed in individuals with NPHS1-related conditions (PMID: 33980730). This suggests that this is a clinically significant region of the protein, and that variants that disrupt it are likely to be disease-causing. In summary, the currently available evidence indicates that the variant is pathogenic, but additional data are needed to prove that conclusively. Therefore, this variant has been classified as Likely Pathogenic.

Counsyl
Classification: Likely pathogenic for Finnish congenital nephrotic syndrome. Last evaluated: 2017-08-10. Review status: no assertion criteria provided. Collection method: clinical testing. Allele origin: unknown. Not counted in ClinVar's aggregate classification.

Literature cited by the submitters: PubMed 21415313 (cited by Labcorp Genetics (formerly Invitae), Labcorp and Counsyl); PubMed 33980730 (cited by Labcorp Genetics (formerly Invitae), Labcorp); PubMed 18503012 (cited by Counsyl).